The following is an entry in ClinVar:

NM_001369369.1(FOXN1):c.880G>C (p.Val294Leu)

Gene: FOXN1 (forkhead box N1; plus strand). Cytogenetic location: 17q11.2.
Variant type: single nucleotide variant.
Coding change: c.880G>C on transcript NM_001369369.1 (MANE Select); coding-DNA position 880, G replaced by C.
Protein change: p.Val294Leu; replaces valine 294 with leucine.
Molecular consequence: missense variant.
Genome position (GRCh38, 1-based): chr17:28,530,798, G>C. VCF-style: chr17-28530798-G-C. GRCh37 (hg19) VCF-style: chr17-26857816-G-C.
Other names: NM_001369369.1(FOXN1):c.880G>C; p.Val294Leu; c.880G>C, p.Val294Leu (NM_003593.3); short protein forms V294L.
Identifiers: ClinVar variation 644342 (VCV000644342.5), dbSNP rs1406320425, ClinGen allele CA398323707.

ClinVar aggregate classification (germline): Likely pathogenic. Review status: reviewed by expert panel (3 of 4 stars). 2 submissions from 2 submitters: Likely pathogenic (1). 1 of the submissions does not count toward it. Last evaluated 2024-07-29.

Conditions:
T-cell immunodeficiency, congenital alopecia, and nail dystrophy. Also called: Congenital alopecia and nail dystrophy associated with severe functional T-cell immunodeficiency; Pignata Guarino syndrome. Identifiers: Orphanet 169095, MedGen C1866426, MONDO:0011132, OMIM 601705.

Submissions (2):

ClinGen Severe Combined Immunodeficiency Variant Curation Expert Panel, ClinGen
Classification: Likely pathogenic for T-cell immunodeficiency, congenital alopecia, and nail dystrophy. Last evaluated: 2024-07-29. Review status: reviewed by expert panel. Criteria: ClinGen SCID ACMG Specifications FOXN1 V1.0.0. Collection method: curation. Allele origin: germline. Inheritance: Semidominant inheritance.
Comment: The NM_001369369.1(FOXN1):c.880G>C (p.Val294Leu) missense variant is located within the DNA binding forkhead domain (amino acids 270-367) at amino acid position 294, and thus meets PM1. The variant has a REVEL score of 0.68 which is above the SCID VCEP specified threshold of ≥0.644 to support a deleterious effect of the variant (PP3). The variant is absent from gonmADv2.1.1 (PM2_supporting). A comprehensive literature search, did not identify the variant in any individuals with T-cell immunodeficiency, congenital alopecia, and nail dystrophy, however personal communication with Invitae confirmed the variant has been observed in one neonate with low TRECs. A luciferase reporter construct was cotransfected into heterologous cells together with an expression vector containing FOXN1. This variant had 13.5% luciferase activity compared to WT, which is below the <50% threshold for PS3_moderate (PMID: 37419334). In summary this variant meets criteria to be classified as likely pathogenic for semidominant T-cell immunodeficiency, congenital alopecia, and nail dystrophy due to FOXN1 deficiency based on the ACMG/AMP criteria applied: PM1, PM2_supporting, PS3_Moderate, and PP3, as specified by the ClinGen SCID VCEP FOXN1 subgroup.

Labcorp Genetics (formerly Invitae), Labcorp
Classification: Uncertain significance for T-cell immunodeficiency, congenital alopecia, and nail dystrophy. Last evaluated: 2018-09-02. Review status: criteria provided, single submitter. Criteria: Invitae Variant Classification Sherloc (09022015). Collection method: clinical testing. Allele origin: germline. Not counted in ClinVar's aggregate classification.
Comment: In summary, the available evidence is currently insufficient to determine the role of this variant in disease. Therefore, it has been classified as a Variant of Uncertain Significance. Algorithms developed to predict the effect of missense changes on protein structure and function are either unavailable or do not agree on the potential impact of this missense change (SIFT: "Tolerated"; PolyPhen-2: "Probably Damaging"; Align-GVGD: "Class C0"). This variant has not been reported in the literature in individuals with FOXN1-related disease. This variant is not present in population databases (ExAC no frequency). This sequence change replaces valine with leucine at codon 294 of the FOXN1 protein (p.Val294Leu). The valine residue is highly conserved and there is a small physicochemical difference between valine and leucine.

Literature cited by the submitters: PubMed 37419334 (cited by ClinGen Severe Combined Immunodeficiency Variant Curation Expert Panel, ClinGen).